The following is an entry in ClinVar:

ClinVar aggregate classification (germline): Uncertain significance (1 of 4 stars; one submission).

Conditions:
Polyglucosan body myopathy type 2. Identifiers: Orphanet 456369, MedGen C4015452, MONDO:0014526, OMIM 616199.

Allele frequency attached by ClinVar (database versions not stated): gnomAD exomes below 0.00001.

Submission:

Centre for Mendelian Genomics, University Medical Centre Ljubljana
Classification: Uncertain significance for Polyglucosan body myopathy type 2. Last evaluated: 2019-07-04. Review status: criteria provided, single submitter. Criteria: ACMG Guidelines, 2015. Collection method: clinical testing. Allele origin: unknown. Affected: yes.
Comment: This variant was classified as: Uncertain significance. The available evidence on this variant's pathogenicity is insufficient or conflicting. The following ACMG criteria were applied in classifying this variant: PM2,PP3.

NM_004130.4(GYG1):c.955G>C (p.Glu319Gln)

Gene: GYG1 (glycogenin 1; plus strand). Cytogenetic location: 3q24.
Variant type: single nucleotide variant.
Coding change: c.955G>C on transcript NM_004130.4 (MANE Select); coding-DNA position 955, G replaced by C.
Protein change: p.Glu319Gln; replaces glutamic acid 319 with glutamine.
Molecular consequence: missense variant. On other transcripts: synonymous variant (1).
Genome position (GRCh38, 1-based): chr3:149,026,835, G>C. VCF-style: chr3-149026835-G-C. GRCh37 (hg19) VCF-style: chr3-148744622-G-C.
Other names: c.904G>C, p.Glu302Gln (NM_001184720.2); c.684G>C, p.Arg228= (NM_001184721.2); short protein forms E302Q, E319Q.
Identifiers: ClinVar variation 931060 (VCV000931060.3), dbSNP rs1714679440, ClinGen allele CA354909399.